The following is an entry in ClinVar:

ClinVar aggregate classification (germline): Uncertain significance (1 of 4 stars; one submission).

Conditions:
Hereditary cancer-predisposing syndrome. Also called: Neoplastic Syndromes, Hereditary; Tumor predisposition; Hereditary Cancer Syndrome; Hereditary neoplastic syndrome. Identifiers: Orphanet 140162, MedGen C0027672, MeSH D009386, MONDO:0015356.

Submission:

Ambry Genetics
Classification: Uncertain significance for Hereditary cancer-predisposing syndrome. Last evaluated: 2025-09-22. Review status: criteria provided, single submitter. Criteria: Ambry Variant Classification Scheme 2023. Collection method: clinical testing. Allele origin: germline.
Comment: The c.5384delT variant, located in coding exon 40 of the POLE gene, results from a deletion of one nucleotide at nucleotide position 5384, causing a translational frameshift with a predicted alternate stop codon (p.L1795Rfs*9). This alteration is expected to result in loss of function by premature protein truncation or nonsense-mediated mRNA decay. Although biallelic loss of function of POLE has been associated with autosomal recessive POLE deficiency, haploinsufficiency of POLE has not been established as a mechanism of disease for POLE-related polymerase proofreading-associated polyposis (PPAP) and POLE-related CMMRD-like syndrome. Based on the supporting evidence, this variant is expected to be causative of POLE deficiency when present along with a second pathogenic variant on the other allele; however, its clinical significance for PPAP and POLE-related CMMRD-like syndrome is unclear.

NM_006231.4(POLE):c.5384del (p.Leu1795fs)

Gene: POLE (DNA polymerase epsilon, catalytic subunit; minus strand). Cytogenetic location: 12q24.33.
Variant type: Deletion.
Coding change: c.5384del on transcript NM_006231.4 (MANE Select); coding-DNA position 5384, one base deleted (T; older notation c.5384delT).
Protein change: p.Leu1795fs; shifts the reading frame from leucine 1795.
Molecular consequence: frameshift variant.
Genome position (GRCh38, 1-based): chr12:132,639,293, A deleted on the plus strand (T on the coding strand, the reverse complement: POLE is on the minus strand). VCF-style (leftmost placement, unchanged base first): chr12-132639292-CA-C. GRCh37 (hg19) VCF-style: chr12-133215878-CA-C.
Other names: short protein forms L1795fs.
Identifiers: ClinVar variation 4671383 (VCV004671383.1).
Genomic context (GRCh38, chr12:132,639,292, plus strand): 5'-GTCTGCATAGATGTTGTGGTACTGGGTGATCTCCTTCACCCAGCCCACGACCATGCTCTT[CA>C]GGATCCTGAAAGAGAAGGTGCACGACACCCTCGTACCCTCAGCCTCCCACGCTGCTGCCA-3'